The following is an entry in ClinVar:

ClinVar aggregate classification (germline): Pathogenic (1 of 4 stars; one submission).

Conditions:
TCF12-related craniosynostosis. Also called: Craniosynostosis 3. Identifiers: Orphanet 35098, Orphanet 35099, Orphanet 672979, MedGen C3715051, MONDO:0014128, OMIM 615314.

Submission:

Juno Genomics, Hangzhou Juno Genomics, Inc
Classification: Pathogenic for TCF12-related craniosynostosis. Review status: criteria provided, single submitter. Criteria: ACMG Guidelines, 2015. Collection method: clinical testing. Allele origin: germline. Affected: yes.
Comment: Absent from controls (or at extremely low frequency if recessive) in Genome Aggregation Database, Exome Sequencing Project, 1000 Genomes Project, or Exome Aggregation Consortium.;Null variant in a gene where loss of function (LOF) is a known mechanism of disease.;De novo (both maternity and paternity confirmed) in a patient with the disease and no family history.

NM_207037.2(TCF12):c.1223T>A (p.Leu408Ter)

Gene: TCF12 (transcription factor 12; plus strand). Cytogenetic location: 15q21.3.
Variant type: single nucleotide variant.
Coding change: c.1223T>A on transcript NM_207037.2 (MANE Select); coding-DNA position 1223, T replaced by A.
Protein change: p.Leu408Ter; replaces leucine 408 with a stop codon.
Molecular consequence: nonsense. On other transcripts: intron variant (8).
Genome position (GRCh38, 1-based): chr15:57,252,455, T>A. VCF-style: chr15-57252455-T-A. GRCh37 (hg19) VCF-style: chr15-57544653-T-A.
Other names: c.713T>A, p.Leu238Ter (NM_001306219.3); c.1223T>A, p.Leu408Ter (NM_001322151.2, NM_001322152.2, NM_001322159.3 and 3 more transcripts); c.566T>A, p.Leu189Ter (NM_001322154.2); c.1049T>A, p.Leu350Ter (NM_001322156.2); c.1189-807T>A (NM_001322157.3, NM_003205.4, NM_207038.2 and 1 more transcripts); c.1015-807T>A (NM_001322158.2); c.1225-807T>A (NM_001322164.2); c.679-807T>A (NM_207040.2); and 1 more; short protein forms L189*, L238*, L350*, L408*.
Identifiers: ClinVar variation 3382313 (VCV003382313.2).
Genomic context (GRCh38, chr15:57,252,455, plus strand): 5'-CTCCTGTTCTGTCTTGACTTTGCCAGAAAAATCGAGTTGAGCAGCAACTTCACGAGCATT[T>A]GCAAGATGCAATGTCCTTCTTAAAGGATGTCTGTGAGGTACTATTTCTTTTAGATGGTGC-3'